The following is an entry in ClinVar:

ClinVar aggregate classification (germline): Uncertain significance (1 of 4 stars; one submission).

Submission:

GeneDx
Classification: Uncertain significance. Last evaluated: 2025-03-10. Review status: criteria provided, single submitter. Criteria: GeneDx Variant Classification Process June 2021. Collection method: clinical testing. Allele origin: germline. Affected: yes.
Comment: Not observed at significant frequency in large population cohorts (gnomAD); In silico analysis supports that this missense variant has a deleterious effect on protein structure/function; Has not been previously published as pathogenic or benign to our knowledge

NM_138348.6(OTULIN):c.521G>T (p.Gly174Val)

Gene: OTULIN (OTU deubiquitinase with linear linkage specificity; plus strand). Cytogenetic location: 5p15.2.
Variant type: single nucleotide variant.
Coding change: c.521G>T on transcript NM_138348.6 (MANE Select); coding-DNA position 521, G replaced by T.
Protein change: p.Gly174Val; replaces glycine 174 with valine.
Molecular consequence: missense variant.
Genome position (GRCh38, 1-based): chr5:14,687,573, G>T. VCF-style: chr5-14687573-G-T. GRCh37 (hg19) VCF-style: chr5-14687682-G-T.
Other names: short protein forms G174V.
Identifiers: ClinVar variation 4083058 (VCV004083058.1).